The following is an entry in ClinVar:

ClinVar aggregate classification (germline): Uncertain significance (1 of 4 stars; one submission).

Submission:

Ambry Genetics
Classification: Uncertain significance. Last evaluated: 2021-02-24. Review status: criteria provided, single submitter. Criteria: Ambry Variant Classification Scheme 2023. Collection method: clinical testing. Allele origin: germline.
Comment: The p.V672L variant (also known as c.2014G>C), located in coding exon 20 of the KIF1B gene, results from a G to C substitution at nucleotide position 2014. The valine at codon 672 is replaced by leucine, an amino acid with highly similar properties. This amino acid position is highly conserved in available vertebrate species. In addition, the in silico prediction for this alteration is inconclusive. Since supporting evidence is limited at this time, the clinical significance of this alteration remains unclear.

NM_001365951.3(KIF1B):c.2152G>C (p.Val718Leu)

Gene: KIF1B (kinesin family member 1B; plus strand). Cytogenetic location: 1p36.22.
Variant type: single nucleotide variant.
Coding change: c.2152G>C on transcript NM_001365951.3 (MANE Select); coding-DNA position 2152, G replaced by C.
Protein change: p.Val718Leu; replaces valine 718 with leucine.
Molecular consequence: missense variant.
Genome position (GRCh38, 1-based): chr1:10,320,079, G>C. VCF-style: chr1-10320079-G-C. GRCh37 (hg19) VCF-style: chr1-10380137-G-C.
Other names: c.2152G>C, p.Val718Leu (NM_001365952.1); c.2014G>C, p.Val672Leu (NM_015074.3); short protein forms V718L, V672L.
Identifiers: ClinVar variation 1784455 (VCV001784455.2), dbSNP rs1651461673, ClinGen allele CA338332315.